The following is an entry in ClinVar:

NM_198252.3(GSN):c.286C>A (p.Arg96Ser)

Gene: GSN (gelsolin; plus strand). Cytogenetic location: 9q33.2.
Variant type: single nucleotide variant.
Coding change: c.286C>A on transcript NM_198252.3 (MANE Select); coding-DNA position 286, C replaced by A.
Protein change: p.Arg96Ser; replaces arginine 96 with serine.
Molecular consequence: missense variant. On other transcripts: 5 prime UTR variant (1).
Genome position (GRCh38, 1-based): chr9:121,303,000, C>A. VCF-style: chr9-121303000-C-A. GRCh37 (hg19) VCF-style: chr9-124065278-C-A.
Other names: c.319C>A, p.Arg107Ser (NM_001353066.2, NM_001353067.2, NM_001353068.2 and 13 more transcripts); c.439C>A, p.Arg147Ser (NM_000177.5); c.286C>A, p.Arg96Ser (NM_001127662.2, NM_001127664.2, NM_001127665.2 and 10 more transcripts); c.394C>A, p.Arg132Ser (NM_001127663.2); c.337C>A, p.Arg113Ser (NM_001258029.2); c.310C>A, p.Arg104Ser (NM_001258030.2); c.358C>A, p.Arg120Ser (NM_001353076.2); c.-369C>A (NM_001353078.2); short protein forms R104S, R132S, R147S, R96S, R107S, R113S, R120S.
Identifiers: ClinVar variation 1959855 (VCV001959855.5), dbSNP rs866179533, ClinGen allele CA199407163.

ClinVar aggregate classification (germline): Uncertain significance (1 of 4 stars; one submission).

Submission:

Labcorp Genetics (formerly Invitae), Labcorp
Classification: Uncertain significance. Last evaluated: 2022-11-17. Review status: criteria provided, single submitter. Criteria: Invitae Variant Classification Sherloc (09022015). Collection method: clinical testing. Allele origin: germline.
Comment: This sequence change replaces arginine, which is basic and polar, with serine, which is neutral and polar, at codon 147 of the GSN protein (p.Arg147Ser). This variant is not present in population databases (gnomAD no frequency). This variant has not been reported in the literature in individuals affected with GSN-related conditions. Algorithms developed to predict the effect of missense changes on protein structure and function (SIFT, PolyPhen-2, Align-GVGD) all suggest that this variant is likely to be disruptive. In summary, the available evidence is currently insufficient to determine the role of this variant in disease. Therefore, it has been classified as a Variant of Uncertain Significance.